The following is an entry in ClinVar:

ClinVar aggregate classification (germline): Pathogenic (1 of 4 stars; one submission).

Conditions:
Cardiovascular phenotype. Identifiers: MedGen CN230736.

Submission:

Ambry Genetics
Classification: Pathogenic for Cardiovascular phenotype. Last evaluated: 2023-04-10. Review status: criteria provided, single submitter. Criteria: Ambry Variant Classification Scheme 2023. Collection method: clinical testing. Allele origin: germline.
Comment: The c.1756delG pathogenic mutation, located in coding exon 11 of the FLNC gene, results from a deletion of one nucleotide at nucleotide position 1756, causing a translational frameshift with a predicted alternate stop codon (p.V586Wfs*85). This variant is considered to be rare based on population cohorts in the Genome Aggregation Database (gnomAD). This alteration is expected to result in loss of function by premature protein truncation or nonsense-mediated mRNA decay. Based on the supporting evidence, this variant is expected to be causative of FLNC-related dilated cardiomyopathy; however, its clinical significance for FLNC-related hypertrophic/restrictive cardiomyopathy and/or skeletal myopathy is unclear.

NM_001458.5(FLNC):c.1756del (p.Val586fs)

Gene: FLNC (filamin C; plus strand). Cytogenetic location: 7q32.1.
Variant type: Deletion.
Coding change: c.1756del on transcript NM_001458.5 (MANE Select); coding-DNA position 1756, one base deleted (G; older notation c.1756delG).
Protein change: p.Val586fs; shifts the reading frame from valine 586.
Molecular consequence: frameshift variant.
Genome position (GRCh38, 1-based): chr7:128,840,913, G deleted; the last of 2 consecutive G bases (chr7:128,840,912-128,840,913); deleting either gives the same sequence. VCF-style (leftmost placement, unchanged base first): chr7-128840911-AG-A. GRCh37 (hg19) VCF-style: chr7-128480965-AG-A.
Other names: c.1756del, p.Val586fs (NM_001127487.2); short protein forms V586fs.
Identifiers: ClinVar variation 2565509 (VCV002565509.2), dbSNP rs2536627255, ClinGen allele CA2580614268.